The following is an entry in ClinVar:

NM_000059.4(BRCA2):c.1291A>G (p.Thr431Ala)

Gene: BRCA2 (BRCA2 DNA repair associated; plus strand). Cytogenetic location: 13q13.1.
Variant type: single nucleotide variant.
Coding change: c.1291A>G on transcript NM_000059.4 (MANE Select); coding-DNA position 1291, A replaced by G.
Protein change: p.Thr431Ala; replaces threonine 431 with alanine.
Molecular consequence: missense variant.
Genome position (GRCh38, 1-based): chr13:32,332,769, A>G. VCF-style: chr13-32332769-A-G. GRCh37 (hg19) VCF-style: chr13-32906906-A-G.
Other names: short protein forms T431A.
Identifiers: ClinVar variation 962395 (VCV000962395.11), dbSNP rs864622399, ClinGen allele CA387762481.

ClinVar aggregate classification (germline): Conflicting classifications of pathogenicity. Review status: criteria provided, conflicting classifications (1 of 4 stars). 2 submissions from 2 submitters: Uncertain significance (1); Likely benign (1). Last evaluated 2023-03-23.

Conditions:
Hereditary cancer-predisposing syndrome. Also called: Tumor predisposition; Hereditary neoplastic syndrome; Hereditary Cancer Syndrome; Neoplastic Syndromes, Hereditary. Identifiers: Orphanet 140162, MedGen C0027672, MeSH D009386, MONDO:0015356.
Hereditary breast ovarian cancer syndrome. Also called: BRCA1- and BRCA2-Associated Hereditary Breast and Ovarian Cancer; Hereditary breast and ovarian cancer; Hereditary breast and/or ovarian cancer syndrome; Hereditary breast and ovarian cancer syndrome; Hereditary breast and ovarian cancer syndrome (HBOC); Breast and ovarian cancer. Identifiers: Orphanet 145, MedGen C0677776, MeSH D061325, MONDO:0003582. Disease mechanism: loss of function.

Submissions (2):

University of Washington Department of Laboratory Medicine, University of Washington
Classification: Likely benign for Hereditary cancer-predisposing syndrome. Last evaluated: 2023-03-23. Review status: criteria provided, single submitter. Criteria: Dines et al. (Genet Med. 2020). Collection method: curation. Allele origin: germline.
Comment: Missense variant in a coldspot region where missense variants are very unlikely to be pathogenic (PMID:31911673).

BRCA2 exon 10 coldspot. Reclassification based on statistical prior probability.

Labcorp Genetics (formerly Invitae), Labcorp
Classification: Uncertain significance for Hereditary breast ovarian cancer syndrome. Last evaluated: 2020-02-25. Review status: criteria provided, single submitter. Criteria: Invitae Variant Classification Sherloc (09022015). Collection method: clinical testing. Allele origin: germline.
Comment: This sequence change replaces threonine with alanine at codon 431 of the BRCA2 protein (p.Thr431Ala). The threonine residue is weakly conserved and there is a small physicochemical difference between threonine and alanine. This variant is not present in population databases (ExAC no frequency). This variant has not been reported in the literature in individuals with BRCA2-related conditions. Algorithms developed to predict the effect of missense changes on protein structure and function output the following: SIFT: "Tolerated"; PolyPhen-2: "Benign"; Align-GVGD: "Class C0". The alanine amino acid residue is found in multiple mammalian species, suggesting that this missense change does not adversely affect protein function. These predictions have not been confirmed by published functional studies and their clinical significance is uncertain. In summary, the available evidence is currently insufficient to determine the role of this variant in disease. Therefore, it has been classified as a Variant of Uncertain Significance.